The following is an entry in ClinVar:

NM_000036.3(AMPD1):c.1813C>A (p.Gln605Lys)

Gene: AMPD1 (adenosine monophosphate deaminase 1; minus strand). Cytogenetic location: 1p13.2.
Variant type: single nucleotide variant.
Coding change: c.1813C>A on transcript NM_000036.3 (MANE Select); coding-DNA position 1813, C replaced by A.
Protein change: p.Gln605Lys; replaces glutamine 605 with lysine.
Molecular consequence: missense variant.
Genome position (GRCh38, 1-based): chr1:114,674,070, G>T on the plus strand (C>A on the coding strand, the complement: AMPD1 is on the minus strand). VCF-style: chr1-114674070-G-T. GRCh37 (hg19) VCF-style: chr1-115216691-G-T.
Other names: c.1801C>A, p.Gln601Lys (NM_001172626.2); c.1912C>A (NM_000036.2); short protein forms Q601K, Q605K.
Identifiers: ClinVar variation 1484635 (VCV001484635.7), dbSNP rs1354176888, ClinGen allele CA341745195.

ClinVar aggregate classification (germline): Uncertain significance. Review status: criteria provided, multiple submitters, no conflicts (2 of 4 stars). 2 submissions from 2 submitters: Uncertain significance (2). Last evaluated 2025-06-10.

Conditions:
Inborn genetic diseases. Identifiers: MedGen C0950123, MeSH D030342.
Muscle AMP deaminase deficiency (MMDD). Also called: ADENOSINE MONOPHOSPHATE DEAMINASE-1 DEFICIENCY, MYOPATHY DUE TO; Myoadenylate deaminase deficiency, myopathy due to; Adenosine monophosphate deaminase 1 deficiency; AMP deaminase 1 deficiency; Adenosine Monophosphate Deaminase 1; AMPD1 DEFICIENCY. Identifiers: Orphanet 45, MedGen C3714933, MONDO:0014220, OMIM 615511.

Allele frequency attached by ClinVar (database versions not stated): gnomAD exomes below 0.00001; TOPMed below 0.00001.
gnomAD v4.1: 1 of 1,613,738 alleles (0.000062%); highest among the groups gnomAD compares: Admixed American, 0.0017%; no homozygotes.

Submissions (2):

Ambry Genetics
Classification: Uncertain significance for Inborn genetic diseases. Last evaluated: 2025-06-10. Review status: criteria provided, single submitter. Criteria: Ambry Variant Classification Scheme 2023. Collection method: clinical testing. Allele origin: germline.

Labcorp Genetics (formerly Invitae), Labcorp
Classification: Uncertain significance for Muscle AMP deaminase deficiency. Last evaluated: 2022-11-22. Review status: criteria provided, single submitter. Criteria: Invitae Variant Classification Sherloc (09022015). Collection method: clinical testing. Allele origin: germline.
Comment: In summary, the available evidence is currently insufficient to determine the role of this variant in disease. Therefore, it has been classified as a Variant of Uncertain Significance. Algorithms developed to predict the effect of missense changes on protein structure and function are either unavailable or do not agree on the potential impact of this missense change (SIFT: "Deleterious"; PolyPhen-2: "Probably Damaging"; Align-GVGD: "Class C15"). ClinVar contains an entry for this variant (Variation ID: 1484635). This variant has not been reported in the literature in individuals affected with AMPD1-related conditions. This variant is present in population databases (no rsID available, gnomAD 0.003%). This sequence change replaces glutamine, which is neutral and polar, with lysine, which is basic and polar, at codon 638 of the AMPD1 protein (p.Gln638Lys).